The following is an entry in ClinVar:

ClinVar aggregate classification (germline): Likely benign (1 of 4 stars; one submission).

Allele frequency attached by ClinVar (database versions not stated): ExAC 0.00005.

Submission:

CeGaT Center for Human Genetics Tuebingen
Classification: Likely benign. Last evaluated: 2026-09-01. Review status: criteria provided, single submitter. Criteria: CeGaT Center For Human Genetics Tuebingen Variant Classification Criteria Version 2. Collection method: clinical testing. Allele origin: germline. Affected: yes. Observed: 3 variant alleles.
Comment: HLA-B: BP4, BP7

NM_005514.8(HLA-B):c.315G>C (p.Leu105=)

Gene: HLA-B (major histocompatibility complex, class I, B; minus strand). Cytogenetic location: 6p21.33.
Variant type: single nucleotide variant.
Coding change: c.315G>C on transcript NM_005514.8 (MANE Select); coding-DNA position 315, G replaced by C.
Protein change: p.Leu105=; no amino-acid change (leucine 105 retained).
Molecular consequence: synonymous variant.
Genome position (GRCh38, 1-based): chr6:31,356,716, C>G on the plus strand (G>C on the coding strand, the complement: HLA-B is on the minus strand). VCF-style: chr6-31356716-C-G. GRCh37 (hg19) VCF-style: chr6-31324493-C-G.
Identifiers: ClinVar variation 2656397 (VCV002656397.24), dbSNP rs41549513, ClinGen allele CA3711722.